The following is an entry in ClinVar:

ClinVar aggregate classification (germline): Uncertain significance (1 of 4 stars; one submission).

Submission:

Labcorp Genetics (formerly Invitae), Labcorp
Classification: Uncertain significance. Last evaluated: 2023-10-19. Review status: criteria provided, single submitter. Criteria: Invitae Variant Classification Sherloc (09022015). Collection method: clinical testing. Allele origin: germline.
Comment: This sequence change replaces lysine, which is basic and polar, with glutamic acid, which is acidic and polar, at codon 731 of the HIVEP2 protein (p.Lys731Glu). This variant is not present in population databases (gnomAD no frequency). This variant has not been reported in the literature in individuals affected with HIVEP2-related conditions. Advanced modeling of protein sequence and biophysical properties (such as structural, functional, and spatial information, amino acid conservation, physicochemical variation, residue mobility, and thermodynamic stability) performed at Invitae indicates that this missense variant is not expected to disrupt HIVEP2 protein function. In summary, the available evidence is currently insufficient to determine the role of this variant in disease. Therefore, it has been classified as a Variant of Uncertain Significance.

NM_006734.4(HIVEP2):c.2191A>G (p.Lys731Glu)

Gene: HIVEP2 (HIVEP zinc finger 2; minus strand). Cytogenetic location: 6q24.2.
Variant type: single nucleotide variant.
Coding change: c.2191A>G on transcript NM_006734.4 (MANE Select); coding-DNA position 2191, A replaced by G.
Protein change: p.Lys731Glu; replaces lysine 731 with glutamic acid.
Molecular consequence: missense variant.
Genome position (GRCh38, 1-based): chr6:142,772,548, T>C on the plus strand (A>G on the coding strand, the complement: HIVEP2 is on the minus strand). VCF-style: chr6-142772548-T-C. GRCh37 (hg19) VCF-style: chr6-143093685-T-C.
Other names: short protein forms K731E.
Identifiers: ClinVar variation 2756631 (VCV002756631.3), dbSNP rs2482841311, ClinGen allele CA365910897.